The following is an entry in ClinVar:

ClinVar aggregate classification (germline): Likely pathogenic (1 of 4 stars; one submission).

Conditions:
Oligospermia. Identifiers: MedGen C0028960, MeSH D009845, MONDO:0001913.
Reduced sperm motility. Also called: asthenozoospermia. Identifiers: MedGen C4082176, HP:0012207.
Abnormal sperm morphology. Also called: Teratozoospermia. Identifiers: MedGen C0403824, HP:0012864.

Submission:

Huzhibin Lab, Nanjing Medical University
Classification: Likely pathogenic for Oligozoospermia; Reduced sperm motility; Abnormal sperm morphology. Review status: criteria provided, single submitter. Criteria: ACMG Guidelines, 2015. Collection method: research. Allele origin: germline. Inheritance: Autosomal recessive inheritance. Affected: yes. Observed: 1 variant allele, 1 homozygote.
Comment: Criteria:PS4,PM2,PP3 This gene is a known causative gene for teratozoospermia, and male knockout mice of this gene have been shown to have a teratospermic phenotype and be infertile in males. While the variant we found here is a missense but not LoF variant. This rare homozygous variant in this gene was not found in the control population, and this variant cannot be found in the gnomad and ExAC databases, it was also predicted to be pathogenic by multiple algorithms,such as CADD(25.9), polyphen(0.997), SIFT(0), Alphamissense(Pathogenic).

Literature cited by the submitters: PubMed 28552195; PubMed 29449551; PubMed 31004071.

NM_025145.7(CFAP43):c.3101A>C (p.Lys1034Thr)

Gene: CFAP43 (cilia and flagella associated protein 43; minus strand). Cytogenetic location: 10q25.1.
Variant type: single nucleotide variant.
Coding change: c.3101A>C on transcript NM_025145.7 (MANE Select); coding-DNA position 3101, A replaced by C.
Protein change: p.Lys1034Thr; replaces lysine 1034 with threonine.
Molecular consequence: missense variant.
Genome position (GRCh38, 1-based): chr10:104,164,239, T>G on the plus strand (A>C on the coding strand, the complement: CFAP43 is on the minus strand). VCF-style: chr10-104164239-T-G. GRCh37 (hg19) VCF-style: chr10-105923997-T-G.
Other names: short protein forms K1034T.
Identifiers: ClinVar variation 3239653 (VCV003239653.2).